The following is an entry in ClinVar:

ClinVar aggregate classification (germline): Uncertain significance (1 of 4 stars; one submission).

Submission:

Labcorp Genetics (formerly Invitae), Labcorp
Classification: Uncertain significance. Last evaluated: 2025-07-03. Review status: criteria provided, single submitter. Criteria: Invitae Variant Classification Sherloc (09022015). Collection method: clinical testing. Allele origin: germline.
Comment: This sequence change replaces histidine, which is basic and polar, with asparagine, which is neutral and polar, at codon 2071 of the SPTA1 protein (p.His2071Asn). Information on the frequency of this variant in the gnomAD database is not available, as this variant may be reported differently in the database. This variant has not been reported in the literature in individuals affected with SPTA1-related conditions. Experimental studies and prediction algorithms are not available or were not evaluated, and the functional significance of this variant is currently unknown. In summary, the available evidence is currently insufficient to determine the role of this variant in disease. Therefore, it has been classified as a Variant of Uncertain Significance.

NM_003126.4(SPTA1):c.6210_6211delinsAA (p.His2071Asn)

Gene: SPTA1 (spectrin alpha, erythrocytic 1; minus strand). Cytogenetic location: 1q23.1.
Variant type: Indel.
Coding change: c.6210_6211delinsAA on transcript NM_003126.4 (MANE Select); coding-DNA positions 6210 to 6211, GC replaced by AA.
Protein change: p.His2071Asn; replaces histidine 2071 with asparagine.
Molecular consequence: missense variant.
Genome position (GRCh38, 1-based): chr1:158,620,376-158,620,377, GC replaced by TT on the plus strand (GC replaced by AA on the coding strand, the reverse complement: SPTA1 is on the minus strand). VCF-style: chr1-158620376-GC-TT. GRCh37 (hg19) VCF-style: chr1-158590166-GC-TT.
Other names: short protein forms H2071N.
Identifiers: ClinVar variation 4694909 (VCV004694909.1).
Genomic context (GRCh38, chr1:158,620,376, plus strand): 5'-AGGCCAAGAAGTCCTCATGGTCTTTCTGCAGCTGCCGAATTTCATTCAGGGAGACACAGT[GC>TT]ACAGGCTCTGACAAGTTTTCTTCCATCTTTTCACACCAGTTGTTCAAAGCTGAAGCCTTA-3'
Protein context (NP_003117.2, residues 2061-2081): KMEENLSEPV[His2071Asn]CVSLNEIRQL